The following is an entry in ClinVar:

NM_032167.5(SNX29):c.585C>G (p.Leu195=)

Gene: SNX29 (sorting nexin 29; plus strand). Cytogenetic location: 16p13.13.
Variant type: single nucleotide variant.
Coding change: c.585C>G on transcript NM_032167.5 (MANE Select); coding-DNA position 585, C replaced by G.
Protein change: p.Leu195=; no amino-acid change (leucine 195 retained).
Molecular consequence: synonymous variant.
Genome position (GRCh38, 1-based): chr16:12,048,457, C>G. VCF-style: chr16-12048457-C-G. GRCh37 (hg19) VCF-style: chr16-12142314-C-G.
Other names: c.585C>G, p.Leu195= (NM_001376490.1).
Identifiers: ClinVar variation 2646233 (VCV002646233.24), dbSNP rs200858924, ClinGen allele CA7908379.

ClinVar aggregate classification (germline): Likely benign (1 of 4 stars; one submission).

Allele frequency attached by ClinVar (database versions not stated): TOPMed 0.00006; gnomAD 0.00027; gnomAD exomes 0.00052; ExAC 0.00120; 1000 Genomes Project 30x 0.00344; 1000 Genomes Project 0.00419.
gnomAD v4.1: 787 of 1,613,944 alleles (0.049%); highest among the groups gnomAD compares: South Asian, 0.84%; 17 homozygotes.

Submission:

CeGaT Center for Human Genetics Tuebingen
Classification: Likely benign. Last evaluated: 2023-03-01. Review status: criteria provided, single submitter. Criteria: CeGaT Center For Human Genetics Tuebingen Variant Classification Criteria Version 2. Collection method: clinical testing. Allele origin: germline. Affected: yes. Observed: 1 variant allele.
Comment: SNX29: BP4, BP7, BS2